The following is an entry in ClinVar:

NM_019597.5(HNRNPH2):c.1188G>C (p.Met396Ile)

Genes: HNRNPH2 (heterogeneous nuclear ribonucleoprotein H2; plus strand), RPL36A-HNRNPH2 (RPL36A-HNRNPH2 readthrough; plus strand). Cytogenetic location: Xq22.1.
Variant type: single nucleotide variant.
Coding change: c.1188G>C on transcript NM_019597.5 (MANE Select); coding-DNA position 1188, G replaced by C.
Protein change: p.Met396Ile; replaces methionine 396 with isoleucine.
Molecular consequence: missense variant. On other transcripts: 3 prime UTR variant (2).
Genome position (GRCh38, 1-based): chrX:101,413,176, G>C. VCF-style: chrX-101413176-G-C. GRCh37 (hg19) VCF-style: chrX-100668164-G-C.
Other names: c.*1184G>C (NM_001199973.2, NM_001199974.2); c.1188G>C, p.Met396Ile (NM_001032393.3); short protein forms M396I.
Identifiers: ClinVar variation 5040962 (VCV005040962.1).

ClinVar aggregate classification (germline): Likely benign (1 of 4 stars; one submission).

Submission:

CeGaT Center for Human Genetics Tuebingen
Classification: Likely benign. Last evaluated: 2026-09-01. Review status: criteria provided, single submitter. Criteria: CeGaT Center For Human Genetics Tuebingen Variant Classification Criteria Version 2. Collection method: clinical testing. Allele origin: germline. Affected: yes. Observed: 1 variant allele.
Comment: HNRNPH2: BS2